The following is an entry in ClinVar:

ClinVar aggregate classification (germline): Conflicting classifications of pathogenicity. Review status: criteria provided, conflicting classifications (1 of 4 stars). 11 submissions from 11 submitters: Uncertain significance (1); Likely benign (9). 1 of the submissions does not count toward it. Last evaluated 2026-08-01.

Conditions:
Cardiovascular phenotype. Identifiers: MedGen CN230736.
TNXB-related disorder. Also called: TNXB-related condition.
Ehlers-Danlos syndrome (EDS). Identifiers: Orphanet 98249, MedGen C0013720, MONDO:0020066.

Allele frequency attached by ClinVar (database versions not stated): gnomAD exomes 0.00035 and 0.00036; ExAC 0.00042; 1000 Genomes Project 30x 0.00047; TOPMed 0.00049; ESP Exome Variant Server 0.00053; 1000 Genomes Project 0.00060.
gnomAD v4.1: 616 of 1,613,826 alleles (0.038%); highest among the groups gnomAD compares: Middle Eastern, 0.2%; 1 homozygote.

Submissions (11):

CeGaT Center for Human Genetics Tuebingen
Classification: Likely benign. Last evaluated: 2026-08-01. Review status: criteria provided, single submitter. Criteria: CeGaT Center For Human Genetics Tuebingen Variant Classification Criteria Version 2. Collection method: clinical testing. Allele origin: germline. Affected: yes. Observed: 5 variant alleles.
Comment: TNXB: BP4, BP7

Labcorp Genetics (formerly Invitae), Labcorp
Classification: Likely benign. Last evaluated: 2026-02-02. Review status: criteria provided, single submitter. Criteria: Invitae Variant Classification Sherloc (09022015). Collection method: clinical testing. Allele origin: germline.

Mayo Clinic Laboratories, Mayo Clinic
Classification: Likely benign. Last evaluated: 2025-01-10. Review status: criteria provided, single submitter. Criteria: ACMG Guidelines, 2015. Collection method: clinical testing. Allele origin: germline. Observed: 2 variant alleles.
Comment: BP4, BP7

Women's Health and Genetics/Laboratory Corporation of America, LabCorp
Classification: Likely benign. Last evaluated: 2025-01-06. Review status: criteria provided, single submitter. Criteria: LabCorp Variant Classification Summary - May 2015. Collection method: clinical testing. Allele origin: germline.

Blueprint Genetics
Classification: Likely benign. Last evaluated: 2024-11-15. Review status: criteria provided, single submitter. Criteria: ACMG Guidelines, 2015. Collection method: clinical testing. Allele origin: germline.

GeneDx
Classification: Likely benign. Last evaluated: 2021-05-04. Review status: criteria provided, single submitter. Criteria: GeneDx Variant Classification Process June 2021. Collection method: clinical testing. Allele origin: germline. Affected: yes.

Genome Diagnostics Laboratory, The Hospital for Sick Children
Classification: Uncertain significance for Ehlers-Danlos syndrome. Last evaluated: 2020-04-01. Review status: criteria provided, single submitter. Criteria: ACMG Guidelines, 2015. Collection method: clinical testing. Allele origin: germline.

Ambry Genetics
Classification: Likely benign for Cardiovascular phenotype. Last evaluated: 2020-01-22. Review status: criteria provided, single submitter. Criteria: Ambry Variant Classification Scheme 2023. Collection method: clinical testing. Allele origin: germline.

Genetic Services Laboratory, University of Chicago
Classification: Likely benign. Last evaluated: 2018-05-18. Review status: criteria provided, single submitter. Criteria: ACMG Guidelines, 2015. Collection method: clinical testing. Allele origin: germline. Affected: no.

Breakthrough Genomics
Classification: Likely benign. Review status: criteria provided, single submitter. Criteria: ACMG Guidelines, 2015. Collection method: not provided. Allele origin: germline. Inheritance: Autosomal recessive inheritance. Affected: yes.

PreventionGenetics, part of Exact Sciences
Classification: Likely benign for TNXB-related condition. Last evaluated: 2020-02-17. Review status: no assertion criteria provided. Collection method: clinical testing. Allele origin: germline. Not counted in ClinVar's aggregate classification.
Comment: This variant is classified as likely benign based on ACMG/AMP sequence variant interpretation guidelines (Richards et al. 2015 PMID: 25741868, with internal and published modifications).

NM_001365276.2(TNXB):c.9255C>G (p.Gly3085=)

Gene: TNXB (tenascin XB; minus strand). Cytogenetic location: 6p21.33.
Variant type: single nucleotide variant.
Coding change: c.9255C>G on transcript NM_001365276.2 (MANE Select); coding-DNA position 9255, C replaced by G.
Protein change: p.Gly3085=; no amino-acid change (glycine 3085 retained).
Molecular consequence: synonymous variant.
Genome position (GRCh38, 1-based): chr6:32,050,182, G>C on the plus strand (C>G on the coding strand, the complement: TNXB is on the minus strand). VCF-style: chr6-32050182-G-C. GRCh37 (hg19) VCF-style: chr6-32017959-G-C.
Other names: p.Gly3083=; c.9249C>G, p.Gly3083= (NM_019105.8).
Identifiers: ClinVar variation 870832 (VCV000870832.57), dbSNP rs368339464, ClinGen allele CA3733583.
Genomic context (GRCh38, chr6:32,050,182, plus strand): 5'-CCGCACCGCCTTGGGCTGCCCATCCCCATTCCTGTACTGGACCAGGAAGTGGTCAAACTG[G>C]CCCTCGGGAACCATCCAGGACAGGCTGAGGGAGTCGGGGGTGGCATCTGTCACGGTCAGC-3'
Protein context (NP_001352205.1, residues 3075-3095): SLSLSWMVPE[Gly3085=]QFDHFLVQYR